The following is an entry in ClinVar:

NM_138615.3(DHX30):c.1778C>T (p.Thr593Ile)

Gene: DHX30 (DExH-box helicase 30; plus strand). Cytogenetic location: 3p21.31.
Variant type: single nucleotide variant.
Coding change: c.1778C>T on transcript NM_138615.3 (MANE Select); coding-DNA position 1778, C replaced by T.
Protein change: p.Thr593Ile; replaces threonine 593 with isoleucine.
Molecular consequence: missense variant.
Genome position (GRCh38, 1-based): chr3:47,846,850, C>T. VCF-style: chr3-47846850-C-T. GRCh37 (hg19) VCF-style: chr3-47888340-C-T.
Other names: c.1694C>T, p.Thr565Ile (NM_001330990.2); c.1661C>T, p.Thr554Ile (NM_014966.4); short protein forms T554I, T565I, T593I.
Identifiers: ClinVar variation 2630835 (VCV002630835.4), dbSNP rs2549293932, ClinGen allele CA352587568.

ClinVar aggregate classification (germline): Likely pathogenic (1 of 4 stars; one submission).

Conditions:
DHX30-related disorder. Also called: DHX30-related condition.

Submission:

PreventionGenetics, part of Exact Sciences
Classification: Likely pathogenic for DHX30-related condition. Last evaluated: 2025-05-09. Review status: criteria provided, single submitter. Criteria: ACMG Guidelines, 2015. Collection method: clinical testing. Allele origin: germline.
Comment: The DHX30 c.1778C>T variant is predicted to result in the amino acid substitution p.Thr593Ile. To our knowledge, this variant has not been reported in the literature or in a large population database (gnomAD), indicating this variant is rare. De novo variants in DHX30 are associated with an autosomal dominant neurodevelopmental disorder (Lessel et al. 2017. PubMed ID: 29100085; Mannucci et al. 2021. PubMed ID: 34020708). This variant is interpreted as likely pathogenic.